The following is an entry in ClinVar:

NM_001605.3(AARS1):c.911C>A (p.Thr304Asn)

Gene: AARS1 (alanyl-tRNA synthetase 1; minus strand). Cytogenetic location: 16q22.1.
Variant type: single nucleotide variant.
Coding change: c.911C>A on transcript NM_001605.3 (MANE Select); coding-DNA position 911, C replaced by A.
Protein change: p.Thr304Asn; replaces threonine 304 with asparagine.
Molecular consequence: missense variant.
Genome position (GRCh38, 1-based): chr16:70,269,669, G>T on the plus strand (C>A on the coding strand, the complement: AARS1 is on the minus strand). VCF-style: chr16-70269669-G-T. GRCh37 (hg19) VCF-style: chr16-70303572-G-T.
Other names: short protein forms T304N.
Identifiers: ClinVar variation 2152065 (VCV002152065.4), dbSNP rs2152161709, ClinGen allele CA396564581.

ClinVar aggregate classification (germline): Uncertain significance (1 of 4 stars; one submission).

Conditions:
Charcot-Marie-Tooth disease type 2. Also called: Charcot-Marie-Tooth type 2. Identifiers: Orphanet 64746, MedGen C0270914, MONDO:0018993.

gnomAD v4.1: 1 of 1,614,136 alleles (0.000062%); highest among the groups gnomAD compares: Non-Finnish European, 0.000085%; no homozygotes.

Submission:

Labcorp Genetics (formerly Invitae), Labcorp
Classification: Uncertain significance for Charcot-Marie-Tooth disease type 2. Last evaluated: 2022-04-01. Review status: criteria provided, single submitter. Criteria: Invitae Variant Classification Sherloc (09022015). Collection method: clinical testing. Allele origin: germline.
Comment: In summary, the available evidence is currently insufficient to determine the role of this variant in disease. Therefore, it has been classified as a Variant of Uncertain Significance. Algorithms developed to predict the effect of missense changes on protein structure and function are either unavailable or do not agree on the potential impact of this missense change (SIFT: "Deleterious"; PolyPhen-2: "Probably Damaging"; Align-GVGD: "Class C0"). This variant has not been reported in the literature in individuals affected with AARS-related conditions. This variant is not present in population databases (gnomAD no frequency). This sequence change replaces threonine, which is neutral and polar, with asparagine, which is neutral and polar, at codon 304 of the AARS protein (p.Thr304Asn).